The following is an entry in ClinVar:

ClinVar aggregate classification (germline): Uncertain significance (1 of 4 stars; one submission).

Submission:

Labcorp Genetics (formerly Invitae), Labcorp
Classification: Uncertain significance. Last evaluated: 2023-02-14. Review status: criteria provided, single submitter. Criteria: Invitae Variant Classification Sherloc (09022015). Collection method: clinical testing. Allele origin: germline.
Comment: In summary, the available evidence is currently insufficient to determine the role of this variant in disease. Therefore, it has been classified as a Variant of Uncertain Significance. Advanced modeling of protein sequence and biophysical properties (such as structural, functional, and spatial information, amino acid conservation, physicochemical variation, residue mobility, and thermodynamic stability) has been performed at Invitae for this missense variant, however the output from this modeling did not meet the statistical confidence thresholds required to predict the impact of this variant on SAMD9 protein function. This variant has not been reported in the literature in individuals affected with SAMD9-related conditions. This variant is not present in population databases (gnomAD no frequency). This sequence change replaces proline, which is neutral and non-polar, with serine, which is neutral and polar, at codon 1441 of the SAMD9 protein (p.Pro1441Ser).

NM_017654.4(SAMD9):c.4321C>T (p.Pro1441Ser)

Gene: SAMD9 (sterile alpha motif domain containing 9; minus strand). Cytogenetic location: 7q21.2.
Variant type: single nucleotide variant.
Coding change: c.4321C>T on transcript NM_017654.4 (MANE Select); coding-DNA position 4321, C replaced by T.
Protein change: p.Pro1441Ser; replaces proline 1441 with serine.
Molecular consequence: missense variant.
Genome position (GRCh38, 1-based): chr7:93,101,777, G>A on the plus strand (C>T on the coding strand, the complement: SAMD9 is on the minus strand). VCF-style: chr7-93101777-G-A. GRCh37 (hg19) VCF-style: chr7-92731090-G-A.
Other names: c.4321C>T, p.Pro1441Ser (NM_001193307.2); short protein forms P1441S.
Identifiers: ClinVar variation 2803370 (VCV002803370.3), dbSNP rs552576227, ClinGen allele CA368179588.
Genomic context (GRCh38, chr7:93,101,777, plus strand): 5'-TTAGTGCTTGAGCATACTCTTTCATTTGTTCAGAATGTTGATCTAGTTGTTGATTTTCTG[G>A]CCAGAATAAGAGGGAAGCTAGAAAATACGGTTCTGAAAACTGATAAGTCAGTCCTATTGG-3'
Protein context (NP_060124.2, residues 1431-1451): PYFLASLLFW[Pro1441Ser]ENQQLDQHSE